The following is an entry in ClinVar:

ClinVar aggregate classification (germline): Uncertain significance. Review status: criteria provided, multiple submitters, no conflicts (2 of 4 stars). 2 submissions from 2 submitters: Uncertain significance (2). Last evaluated 2025-11-24.

Conditions:
Bartter disease type 1. Also called: Bartter syndrome, type 1, antenatal; Bartter Syndrome type 1; HYPERPROSTAGLANDIN E SYNDROME 1; HYPOKALEMIC ALKALOSIS WITH HYPERCALCIURIA 1, ANTENATAL. Identifiers: Orphanet 112, Orphanet 620217, MedGen C1866495, MONDO:0100344, OMIM 601678, MONDO:0011127.

Allele frequency attached by ClinVar (database versions not stated): gnomAD exomes 0.00006 and 0.00007; TOPMed 0.00006; ExAC 0.00010; gnomAD 0.00010 and 0.00011.
gnomAD v4.1: 100 of 1,607,002 alleles (0.0062%); highest among the groups gnomAD compares: East Asian, 0.009%; no homozygotes.

Submissions (2):

Labcorp Genetics (formerly Invitae), Labcorp
Classification: Uncertain significance. Last evaluated: 2025-11-24. Review status: criteria provided, single submitter. Criteria: Invitae Variant Classification Sherloc (09022015). Collection method: clinical testing. Allele origin: germline.
Comment: This sequence change replaces proline, which is neutral and non-polar, with leucine, which is neutral and non-polar, at codon 1018 of the SLC12A1 protein (p.Pro1018Leu). This variant is present in population databases (rs772354744, gnomAD 0.02%). This variant has not been reported in the literature in individuals affected with SLC12A1-related conditions. ClinVar contains an entry for this variant (Variation ID: 1446077). Invitae Evidence Modeling of protein sequence and biophysical properties (such as structural, functional, and spatial information, amino acid conservation, physicochemical variation, residue mobility, and thermodynamic stability) indicates that this missense variant is expected to disrupt SLC12A1 protein function with a positive predictive value of 80%. In summary, the available evidence is currently insufficient to determine the role of this variant in disease. Therefore, it has been classified as a Variant of Uncertain Significance.

Fulgent Genetics
Classification: Uncertain significance for Bartter disease type 1. Last evaluated: 2024-01-22. Review status: criteria provided, single submitter. Criteria: ACMG Guidelines, 2015. Collection method: clinical testing. Allele origin: germline.

NM_000338.3(SLC12A1):c.3053C>T (p.Pro1018Leu)

Gene: SLC12A1 (solute carrier family 12 member 1; plus strand). Cytogenetic location: 15q21.1.
Variant type: single nucleotide variant.
Coding change: c.3053C>T on transcript NM_000338.3 (MANE Select); coding-DNA position 3053, C replaced by T.
Protein change: p.Pro1018Leu; replaces proline 1018 with leucine.
Molecular consequence: missense variant.
Genome position (GRCh38, 1-based): chr15:48,299,232, C>T. VCF-style: chr15-48299232-C-T. GRCh37 (hg19) VCF-style: chr15-48591429-C-T.
Other names: c.3053C>T, p.Pro1018Leu (NM_001184832.2, NM_001384136.1); short protein forms P1018L.
Identifiers: ClinVar variation 1446077 (VCV001446077.7), dbSNP rs772354744, ClinGen allele CA7547573.